The following is an entry in ClinVar:

NM_019892.6(INPP5E):c.479C>G (p.Pro160Arg)

Gene: INPP5E (inositol polyphosphate-5-phosphatase E; minus strand). Cytogenetic location: 9q34.3.
Variant type: single nucleotide variant.
Coding change: c.479C>G on transcript NM_019892.6 (MANE Select); coding-DNA position 479, C replaced by G.
Protein change: p.Pro160Arg; replaces proline 160 with arginine.
Molecular consequence: missense variant.
Genome position (GRCh38, 1-based): chr9:136,438,941, G>C on the plus strand (C>G on the coding strand, the complement: INPP5E is on the minus strand). VCF-style: chr9-136438941-G-C. GRCh37 (hg19) VCF-style: chr9-139333393-G-C.
Other names: c.479C>G, p.Pro160Arg (NM_001318502.2); c.479C>G (NM_019892.5, NM_019892.4); short protein forms P160R.
Identifiers: ClinVar variation 1513595 (VCV001513595.11), dbSNP rs774738007, ClinGen allele CA5337151.
Genomic context (GRCh38, chr9:136,438,941, plus strand): 5'-CCCGCCACGGCGGCGTCTCTGTGCGGGAGGTTCGGGGAGCTGCTGGCCACCCCAGAGAGA[G>C]GGTTACCCCCCGAGGACGGGCTCCCTCTCTCACTGCTCAGGACCCCGCGGGACTTGGGGA-3'
Protein context (NP_063945.2, residues 150-170): ERGSPSSGGN[Pro160Arg]LSGVASSSPN

ClinVar aggregate classification (germline): Uncertain significance. Review status: criteria provided, multiple submitters, no conflicts (2 of 4 stars). 4 submissions from 4 submitters: Uncertain significance (4). Last evaluated 2026-08-21.

Conditions:
INPP5E-related disorder. Also called: INPP5E-related condition.
Joubert syndrome. Also called: Familial aplasia of the vermis; JOUBERT-BOLTSHAUSER SYNDROME. Identifiers: Orphanet 475, MedGen C5979921, MONDO:0018772.
Inborn genetic diseases. Identifiers: MedGen C0950123, MeSH D030342.

Allele frequency attached by ClinVar (database versions not stated): gnomAD exomes 0.00001.
gnomAD v4.1: 21 of 1,569,728 alleles (0.0013%); highest among the groups gnomAD compares: Non-Finnish European, 0.0016%; no homozygotes.

Submissions (4):

PreventionGenetics, part of Exact Sciences
Classification: Uncertain significance for INPP5E-related condition. Last evaluated: 2026-08-21. Review status: criteria provided, single submitter. Criteria: ACMG Guidelines, 2015. Collection method: clinical testing. Allele origin: germline.
Comment: The INPP5E c.479C>G variant is predicted to result in the amino acid substitution p.Pro160Arg. To our knowledge, this variant has not been reported in the literature. This variant is reported in 0.0014% of alleles in individuals of European (Non-Finnish) descent in gnomAD. At this time, the clinical significance of this variant is uncertain due to the absence of conclusive functional and genetic evidence.

Ambry Genetics
Classification: Uncertain significance for Inborn genetic diseases. Last evaluated: 2023-03-01. Review status: criteria provided, single submitter. Criteria: Ambry Variant Classification Scheme 2023. Collection method: clinical testing. Allele origin: germline.

Labcorp Genetics (formerly Invitae), Labcorp
Classification: Uncertain significance for Joubert syndrome. Last evaluated: 2022-06-23. Review status: criteria provided, single submitter. Criteria: Invitae Variant Classification Sherloc (09022015). Collection method: clinical testing. Allele origin: germline.
Comment: Advanced modeling of protein sequence and biophysical properties (such as structural, functional, and spatial information, amino acid conservation, physicochemical variation, residue mobility, and thermodynamic stability) performed at Invitae indicates that this missense variant is not expected to disrupt INPP5E protein function. This sequence change replaces proline, which is neutral and non-polar, with arginine, which is basic and polar, at codon 160 of the INPP5E protein (p.Pro160Arg). This variant is present in population databases (rs774738007, gnomAD 0.001%). This variant has not been reported in the literature in individuals affected with INPP5E-related conditions. In summary, the available evidence is currently insufficient to determine the role of this variant in disease. Therefore, it has been classified as a Variant of Uncertain Significance.

Blueprint Genetics
Classification: Uncertain significance. Last evaluated: 2019-01-17. Review status: criteria provided, single submitter. Criteria: ACMG Guidelines, 2015. Collection method: clinical testing. Allele origin: germline.